The following is an entry in ClinVar:

NC_000023.10:g.(?_32429849)_(32663289_?)del

Gene: DMD (dystrophin; minus strand). Cytogenetic location: Xp21.1.
Variant type: Deletion.
Identifiers: ClinVar variation 3243716 (VCV003243716.1).

ClinVar aggregate classification (germline): Pathogenic (1 of 4 stars; one submission).

Conditions:
Duchenne muscular dystrophy (DMD). Also called: MUSCULAR DYSTROPHY, PSEUDOHYPERTROPHIC PROGRESSIVE, DUCHENNE TYPE; Duchenne Muscular Dystrophy (DMD). Identifiers: Orphanet 98896, MedGen C0013264, MONDO:0010679, OMIM 310200.

Submission:

Labcorp Genetics (formerly Invitae), Labcorp
Classification: Pathogenic for Duchenne muscular dystrophy. Last evaluated: 2024-01-17. Review status: criteria provided, single submitter. Criteria: Invitae Variant Classification Sherloc (09022015). Collection method: clinical testing. Allele origin: unknown.
Comment: This variant is a gross deletion of the genomic region encompassing exon(s) 10-30 of the DMD gene. This variant would be expected to be in-frame, preserving the integrity of the reading frame. A similar copy number variant has been observed in individuals with dystrophinopathies (PMID: 21150048, 24292997). This variant disrupts a region of the DMD protein in which other variant(s) (Deletion (Exon 13)) have been determined to be pathogenic (PMID: 18353051, 22379338, 28116794, 28610567). This suggests that this is a clinically significant region of the protein, and that variants that disrupt it are likely to be disease-causing. For these reasons, this variant has been classified as Pathogenic.

Literature cited by the submitters: PubMed 21150048; PubMed 24292997; PubMed 18353051; PubMed 22379338; PubMed 28116794; PubMed 28610567.